The following is an entry in ClinVar:

NM_000503.6(EYA1):c.923G>A (p.Arg308Gln)

Gene: EYA1 (EYA transcriptional coactivator and phosphatase 1; minus strand). Cytogenetic location: 8q13.3.
Variant type: single nucleotide variant.
Coding change: c.923G>A on transcript NM_000503.6 (MANE Select); coding-DNA position 923, G replaced by A.
Protein change: p.Arg308Gln; replaces arginine 308 with glutamine.
Molecular consequence: missense variant.
Genome position (GRCh38, 1-based): chr8:71,271,801, C>T on the plus strand (G>A on the coding strand, the complement: EYA1 is on the minus strand). VCF-style: chr8-71271801-C-T. GRCh37 (hg19) VCF-style: chr8-72184036-C-T.
Other names: c.905G>A, p.Arg302Gln (NM_001288574.2); c.557G>A, p.Arg186Gln (NM_001288575.2); c.1010G>A, p.Arg337Gln (NM_001370333.1); c.923G>A, p.Arg308Gln (NM_001370334.1, NM_001370335.1, NM_172058.4); c.992G>A, p.Arg331Gln (NM_001370336.1); c.995G>A, p.Arg332Gln (NM_172059.5); short protein forms R308Q, R302Q, R337Q, R332Q, R186Q, R331Q.
Identifiers: ClinVar variation 363652 (VCV000363652.11), dbSNP rs369822742, ClinGen allele CA4779620.

ClinVar aggregate classification (germline): Benign/Likely benign. Review status: criteria provided, multiple submitters, no conflicts (2 of 4 stars). 5 submissions from 4 submitters: Benign (4); Likely benign (1). Last evaluated 2024-10-07.

Conditions:
Otofaciocervical syndrome 1 (OTFCS). Identifiers: MedGen C3714941, MONDO:0024532, OMIM 166780.
Branchiootorenal syndrome 1. Also called: Branchio-Oto-Renal Syndrome 1. Identifiers: Orphanet 107, MedGen C4551702, MONDO:0007236, OMIM 113650.
Branchiootic syndrome 1 (BOS1). Also called: BO SYNDROME 1; BRANCHIOOTIC DYSPLASIA. Identifiers: MedGen C1865143, MONDO:0011258, OMIM 602588.
Melnick-Fraser syndrome (BOR). Also called: Branchiootorenal syndrome; Branchio-oto-renal syndrome; Branchiootorenal Syndrome (BORS). Identifiers: Orphanet 107, MedGen C0265234, MONDO:0007029.

Allele frequency attached by ClinVar (database versions not stated): gnomAD 0.00001 and 0.00007; TOPMed 0.00002; ESP Exome Variant Server 0.00008; gnomAD exomes 0.00013 and 0.00020; 1000 Genomes Project 30x 0.00016; ExAC 0.00018; 1000 Genomes Project 0.00020.
gnomAD v4.1: 197 of 1,614,156 alleles (0.012%); highest among the groups gnomAD compares: South Asian, 0.18%; 1 homozygote.

Submissions (5):

Labcorp Genetics (formerly Invitae), Labcorp
Classification: Benign for Melnick-Fraser syndrome. Last evaluated: 2024-10-07. Review status: criteria provided, single submitter. Criteria: Invitae Variant Classification Sherloc (09022015). Collection method: clinical testing. Allele origin: germline.

Blueprint Genetics
Classification: Benign. Last evaluated: 2023-09-22. Review status: criteria provided, single submitter. Criteria: ACMG Guidelines, 2015. Collection method: clinical testing. Allele origin: germline.

Fulgent Genetics
Classification: Likely benign for Branchiootorenal syndrome 1; Otofaciocervical syndrome 1; Branchiootic syndrome 1. Last evaluated: 2021-11-11. Review status: criteria provided, single submitter. Criteria: ACMG Guidelines, 2015. Collection method: clinical testing. Allele origin: unknown.

Illumina Laboratory Services, Illumina
Classification: Benign for Otofaciocervical syndrome 1. Last evaluated: 2018-01-13. Review status: criteria provided, single submitter. Criteria: ICSL Variant Classification Criteria 13 December 2019. Collection method: clinical testing. Allele origin: germline.
Comment: This variant was observed in the ICSL laboratory as part of a predisposition screen in an ostensibly healthy population. It had not been previously curated by ICSL or reported in the Human Gene Mutation Database (HGMD: prior to June 1st, 2018), and was therefore a candidate for classification through an automated scoring system. Utilizing variant allele frequency, disease prevalence and penetrance estimates, and inheritance mode, an automated score was calculated to assess if this variant is too frequent to cause the disease. Based on the score and internal cut-off values, a variant classified as benign is not then subjected to further curation. The score for this variant resulted in a classification of benign for this disease.

Illumina Laboratory Services, Illumina
Classification: Benign for Branchiootic syndrome. Last evaluated: 2018-01-13. Review status: criteria provided, single submitter. Criteria: ICSL Variant Classification Criteria 13 December 2019. Collection method: clinical testing. Allele origin: germline.
Comment: the same text as in the submission from Illumina Laboratory Services, Illumina above.